The following is an entry in ClinVar:

NM_004517.4(ILK):c.504C>G (p.Phe168Leu)

Genes: ILK (integrin linked kinase; plus strand), TAF10 (TATA-box binding protein associated factor 10; minus strand). Cytogenetic location: 11p15.4.
Variant type: single nucleotide variant.
Coding change: c.504C>G on transcript NM_004517.4 (MANE Select); coding-DNA position 504, C replaced by G.
Protein change: p.Phe168Leu; replaces phenylalanine 168 with leucine.
Molecular consequence: missense variant. On other transcripts: 3 prime UTR variant (1).
Genome position (GRCh38, 1-based): chr11:6,608,939, C>G. VCF-style: chr11-6608939-C-G. GRCh37 (hg19) VCF-style: chr11-6630170-C-G.
Other names: c.504C>G, p.Phe168Leu (NM_001014794.3, NM_001014795.3); c.407C>G, p.Ser136Cys (NM_001278441.2); c.102C>G, p.Phe34Leu (NM_001278442.2); c.*1983G>C (NM_006284.4); short protein forms F168L, F34L, S136C.
Identifiers: ClinVar variation 532034 (VCV000532034.9), dbSNP rs1554898796, ClinGen allele CA379459960.

ClinVar aggregate classification (germline): Uncertain significance (1 of 4 stars; one submission).

Conditions:
Primary familial hypertrophic cardiomyopathy (HCM). Identifiers: Orphanet 99739, MedGen C0949658, MeSH D024741, MONDO:0024573. Inheritance: Various modes of inheritance.

Submission:

Labcorp Genetics (formerly Invitae), Labcorp
Classification: Uncertain significance for Primary familial hypertrophic cardiomyopathy. Last evaluated: 2017-12-12. Review status: criteria provided, single submitter. Criteria: Invitae Variant Classification Sherloc (09022015). Collection method: clinical testing. Allele origin: germline.
Comment: This sequence change replaces phenylalanine with leucine at codon 168 of the ILK protein (p.Phe168Leu). The phenylalanine residue is highly conserved and there is a small physicochemical difference between phenylalanine and leucine. This variant is not present in population databases (ExAC no frequency). This variant has not been reported in the literature in individuals with ILK-related disease. Algorithms developed to predict the effect of missense changes on protein structure and function do not agree on the potential impact of this missense change (SIFT: "Deleterious"; PolyPhen-2: "Benign"; Align-GVGD: "Class C15"). In summary, the available evidence is currently insufficient to determine the role of this variant in disease. Therefore, it has been classified as a Variant of Uncertain Significance.